The following is an entry in ClinVar:

NM_001148.6(ANK2):c.11587G>A (p.Asp3863Asn)

Gene: ANK2 (ankyrin 2; plus strand). Cytogenetic location: 4q26.
Variant type: single nucleotide variant.
Coding change: c.11587G>A on transcript NM_001148.6 (MANE Select); coding-DNA position 11587, G replaced by A.
Protein change: p.Asp3863Asn; replaces aspartic acid 3863 with asparagine.
Molecular consequence: missense variant.
Genome position (GRCh38, 1-based): chr4:113,369,782, G>A. VCF-style: chr4-113369782-G-A. GRCh37 (hg19) VCF-style: chr4-114290938-G-A.
Other names: c.5305G>A, p.Asp1769Asn (NM_001127493.3); c.5344G>A, p.Asp1782Asn (NM_001354225.2); c.5233G>A, p.Asp1745Asn (NM_001354228.2, NM_001354258.2); c.5311G>A, p.Asp1771Asn (NM_001354230.2); c.5374G>A, p.Asp1792Asn (NM_001354231.2, NM_001354242.2); c.5368G>A, p.Asp1790Asn (NM_001354232.2); c.5329G>A, p.Asp1777Asn (NM_001354235.2, NM_001354246.2, NM_001354265.2); c.5230G>A, p.Asp1744Asn (NM_001354236.2); and 35 more; short protein forms D1769N, D3863N, D1691N, D1700N, D1703N, D1731N, D1744N, D1761N.
Identifiers: ClinVar variation 264094 (VCV000264094.12), dbSNP rs886039041, ClinGen allele CA10587589.

ClinVar aggregate classification (germline): Uncertain significance. Review status: criteria provided, multiple submitters, no conflicts (2 of 4 stars). 3 submissions from 3 submitters: Uncertain significance (3). Last evaluated 2024-05-21.

Conditions:
Cardiovascular phenotype. Identifiers: MedGen CN230736.
Long QT syndrome (LQTS). Identifiers: MedGen C0023976, MeSH D008133, MONDO:0002442. Disease mechanism: loss of function. Inheritance: Various modes of inheritance.

Allele frequency attached by ClinVar (database versions not stated): gnomAD exomes 0.00001.
gnomAD v4.1: 9 of 1,614,052 alleles (0.00056%); highest among the groups gnomAD compares: African/African-American, 0.0013%; no homozygotes.

Submissions (3):

Ambry Genetics
Classification: Uncertain significance for Cardiovascular phenotype. Last evaluated: 2024-05-21. Review status: criteria provided, single submitter. Criteria: Ambry Variant Classification Scheme 2023. Collection method: clinical testing. Allele origin: germline.
Comment: The p.D3863N variant (also known as c.11587G>A), located in coding exon 43 of the ANK2 gene, results from a G to A substitution at nucleotide position 11587. The aspartic acid at codon 3863 is replaced by asparagine, an amino acid with highly similar properties. This variant was not reported in population based cohorts in the following databases: Database of Single Nucleotide Polymorphisms (dbSNP), NHLBI Exome Sequencing Project (ESP), the Exome Aggregation Consortium (ExAC), and 1000 Genomes Project. In the ESP, this variant was not observed in 6503 samples (13006 alleles) with coverage at this position. This amino acid position is not well conserved in available vertebrate species. In addition, this alteration is predicted to be tolerated by in silico analysis. Since supporting evidence for this variant is limited at this time, its clinical significance is unclear.

Labcorp Genetics (formerly Invitae), Labcorp
Classification: Uncertain significance for Long QT syndrome. Last evaluated: 2024-01-30. Review status: criteria provided, single submitter. Criteria: Invitae Variant Classification Sherloc (09022015). Collection method: clinical testing. Allele origin: germline.
Comment: This sequence change replaces aspartic acid, which is acidic and polar, with asparagine, which is neutral and polar, at codon 3863 of the ANK2 protein (p.Asp3863Asn). This variant is not present in population databases (gnomAD no frequency). This variant has not been reported in the literature in individuals affected with ANK2-related conditions. ClinVar contains an entry for this variant (Variation ID: 264094). Advanced modeling of protein sequence and biophysical properties (such as structural, functional, and spatial information, amino acid conservation, physicochemical variation, residue mobility, and thermodynamic stability) performed at Invitae indicates that this missense variant is not expected to disrupt ANK2 protein function with a negative predictive value of 80%. In summary, the available evidence is currently insufficient to determine the role of this variant in disease. Therefore, it has been classified as a Variant of Uncertain Significance.

GeneDx
Classification: Uncertain significance. Last evaluated: 2019-08-16. Review status: criteria provided, single submitter. Criteria: GeneDx Variant Classification Process June 2021. Collection method: clinical testing. Allele origin: germline. Affected: yes.
Comment: Has not been previously published as pathogenic or benign to our knowledge; Not observed in large population cohorts (Lek et al., 2016); In silico analysis, which includes protein predictors and evolutionary conservation, supports that this variant does not alter protein structure/function